The following is an entry in ClinVar:

NM_138713.4(NFAT5):c.3804GCA[4] (p.Gln1284del)

Gene: NFAT5 (nuclear factor of activated T cells 5; plus strand). Cytogenetic location: 16q22.1.
Variant type: Microsatellite.
Coding change: c.3804GCA[4] on transcript NM_138713.4 (MANE Select); four copies in a row of the 3-base unit GCA starting at c.3804; the reference has five copies in a row; one copy, 3 bases deleted.
Protein change: p.Gln1284del; deletes glutamine 1284.
Genome position (GRCh38, 1-based): chr16:69,693,641-69,693,643, GCA deleted; deleting any 3 consecutive bases within chr16:69,693,627-69,693,643 gives the same sequence; the position shown is the placement nearest the transcript's 3' end. VCF-style (leftmost placement, unchanged base first): chr16-69693626-ACAG-A. GRCh37 (hg19) VCF-style: chr16-69727529-ACAG-A.
Other names: c.3801GCA[4], p.Gln1283del (NM_001113178.3); c.3129GCA[4], p.Gln1059del (NM_001367709.1); c.3750GCA[4], p.Gln1266del (NM_006599.4); c.3522GCA[4], p.Gln1190del (NM_138714.4, NM_173214.3, NM_173215.3); short protein forms Q1059del, Q1190del, Q1266del, Q1283del, Q1284del.
Identifiers: ClinVar variation 4809286 (VCV004809286.1).

ClinVar aggregate classification (germline): Uncertain significance (1 of 4 stars; one submission).

Conditions:
Immunodeficiency. Identifiers: MedGen C0021051, MONDO:0021094, HP:0002721.

Submission:

Labcorp Genetics (formerly Invitae), Labcorp
Classification: Uncertain significance for Immunodeficiency. Last evaluated: 2025-12-24. Review status: criteria provided, single submitter. Criteria: Invitae Variant Classification Sherloc (09022015). Collection method: clinical testing. Allele origin: germline.
Comment: This variant, c.3534_3536del, results in the deletion of 1 amino acid(s) of the NFAT5 protein (p.Gln1190del), but otherwise preserves the integrity of the reading frame. The frequency data for this variant in the population databases is considered unreliable, as metrics indicate poor data quality at this position in the gnomAD database. This variant has not been reported in the literature in individuals affected with NFAT5-related conditions. In summary, the available evidence is currently insufficient to determine the role of this variant in disease. Therefore, it has been classified as a Variant of Uncertain Significance.